The following is an entry in ClinVar:

ClinVar aggregate classification (germline): Uncertain significance (1 of 4 stars; one submission).

Conditions:
Cystic fibrosis (CF). Also called: MUCOVISCIDOSIS. Identifiers: Orphanet 586, MedGen C0010674, MONDO:0009061, OMIM 219700. Disease mechanism: loss of function.

Submission:

Ambry Genetics
Classification: Uncertain significance for Cystic fibrosis. Last evaluated: 2021-10-14. Review status: criteria provided, single submitter. Criteria: Ambry Variant Classification Scheme 2023. Collection method: clinical testing. Allele origin: germline.
Comment: The p.W401R variant (also known as c.1201T>C), located in coding exon 9 of the CFTR gene, results from a T to C substitution at nucleotide position 1201. The tryptophan at codon 401 is replaced by arginine, an amino acid with dissimilar properties. This amino acid position is conserved. In addition, this alteration is predicted to be deleterious by in silico analysis. Since supporting evidence is limited at this time, the clinical significance of this alteration remains unclear.

NM_000492.4(CFTR):c.1201T>C (p.Trp401Arg)

Gene: CFTR (CF transmembrane conductance regulator; plus strand). Cytogenetic location: 7q31.2.
Variant type: single nucleotide variant.
Coding change: c.1201T>C on transcript NM_000492.4 (MANE Select); coding-DNA position 1201, T replaced by C.
Protein change: p.Trp401Arg; replaces tryptophan 401 with arginine.
Molecular consequence: missense variant.
Genome position (GRCh38, 1-based): chr7:117,542,100, T>C. VCF-style: chr7-117542100-T-C. GRCh37 (hg19) VCF-style: chr7-117182154-T-C.
Other names: short protein forms W401R.
Identifiers: ClinVar variation 1747750 (VCV001747750.2), dbSNP rs2485030537, ClinGen allele CA368980266.